The following is an entry in ClinVar:

NM_001693.4(ATP6V1B2):c.983A>G (p.Tyr328Cys)

Gene: ATP6V1B2 (ATPase H+ transporting V1 subunit B2; plus strand). Cytogenetic location: 8p21.3.
Variant type: single nucleotide variant.
Coding change: c.983A>G on transcript NM_001693.4 (MANE Select); coding-DNA position 983, A replaced by G.
Protein change: p.Tyr328Cys; replaces tyrosine 328 with cysteine.
Molecular consequence: missense variant.
Genome position (GRCh38, 1-based): chr8:20,214,873, A>G. VCF-style: chr8-20214873-A-G. GRCh37 (hg19) VCF-style: chr8-20072384-A-G.
Other names: short protein forms Y328C.
Identifiers: ClinVar variation 4056829 (VCV004056829.2).

ClinVar aggregate classification (germline): Pathogenic/Likely pathogenic. Review status: criteria provided, multiple submitters, no conflicts (2 of 4 stars). 2 submissions from 2 submitters: Pathogenic (1); Likely pathogenic (1). Last evaluated 2026-07-17.

Conditions:
Zimmermann-Laband syndrome 2 (ZLS2). Identifiers: Orphanet 3473, MedGen C4225321, MONDO:0014646, OMIM 616455.

Submissions (2):

Institute of Human Genetics, University of Leipzig Medical Center
Classification: Likely pathogenic for Zimmermann-Laband syndrome 2. Last evaluated: 2026-07-17. Review status: criteria provided, single submitter. Criteria: ACMG Guidelines, 2015. Collection method: clinical testing. Allele origin: unknown. Inheritance: Autosomal dominant inheritance. Affected: yes.
Comment: Criteria applied: PS2_MOD,PM2,PM5,PS4_SUP,PP2,PP3

GeneDx
Classification: Pathogenic. Last evaluated: 2025-01-04. Review status: criteria provided, single submitter. Criteria: GeneDx Variant Classification Process June 2021. Collection method: clinical testing. Allele origin: germline. Affected: yes.
Comment: Not observed at significant frequency in large population cohorts (gnomAD); In silico analysis supports that this missense variant has a deleterious effect on protein structure/function; This variant is associated with the following publications: (PMID: 39210597)